The following is an entry in ClinVar:

NM_004655.4(AXIN2):c.2406-14G>T

Gene: AXIN2 (axin 2; minus strand). Cytogenetic location: 17q24.1.
Variant type: single nucleotide variant.
Coding change: c.2406-14G>T on transcript NM_004655.4 (MANE Select); 14 bases into the intron before coding-DNA position 2406, G replaced by T.
Molecular consequence: intron variant.
Genome position (GRCh38, 1-based): chr17:65,530,116, C>A on the plus strand (G>T on the coding strand, the complement: AXIN2 is on the minus strand). VCF-style: chr17-65530116-C-A. GRCh37 (hg19) VCF-style: chr17-63526234-C-A.
Other names: c.2211-14G>T (NM_001363813.1).
Identifiers: ClinVar variation 3378967 (VCV003378967.3).

ClinVar aggregate classification (germline): Likely benign. Review status: criteria provided, multiple submitters, no conflicts (2 of 4 stars). 2 submissions from 2 submitters: Likely benign (2). Last evaluated 2024-07-11.

Conditions:
Oligodontia-cancer predisposition syndrome. Also called: TOOTH AGENESIS-COLORECTAL CANCER SYNDROME. Identifiers: Orphanet 300576, MedGen C1837750, MONDO:0012075, OMIM 608615. Disease mechanism: loss of function.

Submissions (2):

Myriad Genetics, Inc.
Classification: Likely benign for Oligodontia-cancer predisposition syndrome. Last evaluated: 2024-07-11. Review status: criteria provided, single submitter. Criteria: Myriad Autosomal Dominant, Autosomal Recessive and X-Linked Classification Criteria (2023). Collection method: clinical testing. Allele origin: unknown.
Comment: This variant is considered likely benign. This variant is intronic and is not expected to impact mRNA splicing.

Labcorp Genetics (formerly Invitae), Labcorp
Classification: Likely benign for Oligodontia-cancer predisposition syndrome. Last evaluated: 2024-05-27. Review status: criteria provided, single submitter. Criteria: Invitae Variant Classification Sherloc (09022015). Collection method: clinical testing. Allele origin: germline.